The following is an entry in ClinVar:

NM_001001563.5(TIMM50):c.379A>G (p.Ile127Val)

Gene: TIMM50 (translocase of inner mitochondrial membrane 50; plus strand). Cytogenetic location: 19q13.2.
Variant type: single nucleotide variant.
Coding change: c.379A>G on transcript NM_001001563.5 (MANE Select); coding-DNA position 379, A replaced by G.
Protein change: p.Ile127Val; replaces isoleucine 127 with valine.
Molecular consequence: missense variant.
Genome position (GRCh38, 1-based): chr19:39,485,694, A>G. VCF-style: chr19-39485694-A-G. GRCh37 (hg19) VCF-style: chr19-39976334-A-G.
Other names: c.40A>G, p.Ile14Val (NM_001329559.2); short protein forms I127V, I14V.
Identifiers: ClinVar variation 3630769 (VCV003630769.2).

ClinVar aggregate classification (germline): Uncertain significance (1 of 4 stars; one submission).

Submission:

Labcorp Genetics (formerly Invitae), Labcorp
Classification: Uncertain significance. Last evaluated: 2024-12-02. Review status: criteria provided, single submitter. Criteria: Invitae Variant Classification Sherloc (09022015). Collection method: clinical testing. Allele origin: germline.
Comment: This sequence change replaces isoleucine, which is neutral and non-polar, with valine, which is neutral and non-polar, at codon 230 of the TIMM50 protein (p.Ile230Val). This variant is present in population databases (rs374754321, gnomAD 0.003%). This variant has not been reported in the literature in individuals affected with TIMM50-related conditions. An algorithm developed to predict the effect of missense changes on protein structure and function (PolyPhen-2) suggests that this variant is likely to be tolerated. In summary, the available evidence is currently insufficient to determine the role of this variant in disease. Therefore, it has been classified as a Variant of Uncertain Significance.